The following is an entry in ClinVar:

NM_000138.5(FBN1):c.863-7A>G

Gene: FBN1 (fibrillin 1; minus strand). Cytogenetic location: 15q21.1.
Variant type: single nucleotide variant.
Coding change: c.863-7A>G on transcript NM_000138.5 (MANE Select); 7 bases into the intron before coding-DNA position 863, A replaced by G.
Molecular consequence: intron variant.
Genome position (GRCh38, 1-based): chr15:48,526,262, T>C on the plus strand (A>G on the coding strand, the complement: FBN1 is on the minus strand). VCF-style: chr15-48526262-T-C. GRCh37 (hg19) VCF-style: chr15-48818459-T-C.
Identifiers: ClinVar variation 381002 (VCV000381002.10), dbSNP rs771131700, ClinGen allele CA060312.

ClinVar aggregate classification (germline): Likely benign. Review status: criteria provided, multiple submitters, no conflicts (2 of 4 stars). 4 submissions from 4 submitters: Likely benign (4). Last evaluated 2024-09-21.

Conditions:
Marfan syndrome (MFS). Also called: Marfan syndrome, classic; Marfan syndrome type 1; Marfan's syndrome; MARFAN SYNDROME, TYPE I; FBN1-Related Marfan Syndrome. Identifiers: Orphanet 284963, Orphanet 558, MedGen C0024796, MONDO:0007947, OMIM 154700.
Familial thoracic aortic aneurysm and aortic dissection (TAAD). Also called: Thoracic aortic aneurysms and dissections. Identifiers: Orphanet 91387, MedGen C4707243, MONDO:0019625.

Allele frequency attached by ClinVar (database versions not stated): gnomAD exomes 0.00001 and below 0.00001; ExAC 0.00001.
gnomAD v4.1: 8 of 1,613,772 alleles (0.0005%); highest among the groups gnomAD compares: Non-Finnish European, 0.00068%; no homozygotes.

Submissions (4):

Labcorp Genetics (formerly Invitae), Labcorp
Classification: Likely benign for Marfan syndrome; Familial thoracic aortic aneurysm and aortic dissection. Last evaluated: 2024-09-21. Review status: criteria provided, single submitter. Criteria: Invitae Variant Classification Sherloc (09022015). Collection method: clinical testing. Allele origin: germline.

All of Us Research Program, National Institutes of Health
Classification: Likely benign for Marfan syndrome. Last evaluated: 2023-11-30. Review status: criteria provided, single submitter. Criteria: ACMG Guidelines, 2015. Collection method: clinical testing. Allele origin: germline. Inheritance: Autosomal dominant inheritance. Observed: 2 variant alleles, 2 heterozygotes.
Comment: This study involves interpretation of variants in research participants for the purpose of population health screening. Participant phenotype was not available at the time of variant classification. Additional details can be found in publication PMID: 35346344, PMCID: PMC8962531

Color Diagnostics, LLC DBA Color Health
Classification: Likely benign for Familial thoracic aortic aneurysm and aortic dissection. Last evaluated: 2023-08-10. Review status: criteria provided, single submitter. Criteria: ACMG Guidelines, 2015. Collection method: clinical testing. Allele origin: germline.

GeneDx
Classification: Likely benign. Last evaluated: 2015-10-09. Review status: criteria provided, single submitter. Criteria: GeneDx Variant Classification (06012015). Collection method: clinical testing. Allele origin: germline. Affected: yes.
Comment: This variant is considered likely benign or benign based on one or more of the following criteria: it is a conservative change, it occurs at a poorly conserved position in the protein, it is predicted to be benign by multiple in silico algorithms, and/or has population frequency not consistent with disease.